The following is an entry in ClinVar:

NM_020937.4(FANCM):c.2432C>T (p.Thr811Ile)

Gene: FANCM (FA complementation group M; plus strand). Cytogenetic location: 14q21.2.
Variant type: single nucleotide variant.
Coding change: c.2432C>T on transcript NM_020937.4 (MANE Select); coding-DNA position 2432, C replaced by T.
Protein change: p.Thr811Ile; replaces threonine 811 with isoleucine.
Molecular consequence: missense variant.
Genome position (GRCh38, 1-based): chr14:45,175,186, C>T. VCF-style: chr14-45175186-C-T. GRCh37 (hg19) VCF-style: chr14-45644389-C-T.
Other names: c.2354C>T, p.Thr785Ile (NM_001308133.2); short protein forms T785I, T811I.
Identifiers: ClinVar variation 4619464 (VCV004619464.2).

ClinVar aggregate classification (germline): Uncertain significance. Review status: criteria provided, multiple submitters, no conflicts (2 of 4 stars). 2 submissions from 2 submitters: Uncertain significance (2). Last evaluated 2025-10-02.

Conditions:
Inborn genetic diseases. Identifiers: MedGen C0950123, MeSH D030342.
Fanconi anemia (FA). Also called: Fanconi's anemia. Identifiers: Orphanet 84, MedGen C0015625, MeSH D005199, MONDO:0019391.

gnomAD v4.1: 1 of 1,610,758 alleles (0.000062%); highest among the groups gnomAD compares: Non-Finnish European, 0.000085%; no homozygotes.

Submissions (2):

Ambry Genetics
Classification: Uncertain significance for Inborn genetic diseases. Last evaluated: 2025-10-02. Review status: criteria provided, single submitter. Criteria: Ambry Variant Classification Scheme 2023. Collection method: clinical testing. Allele origin: germline.
Comment: The p.T811I variant (also known as c.2432C>T), located in coding exon 14 of the FANCM gene, results from a C to T substitution at nucleotide position 2432. The threonine at codon 811 is replaced by isoleucine, an amino acid with similar properties. This amino acid position is conserved. In addition, this alteration is predicted to be tolerated by in silico analysis. Based on the available evidence, the clinical significance of this variant remains unclear.

Labcorp Genetics (formerly Invitae), Labcorp
Classification: Uncertain significance for Fanconi anemia. Last evaluated: 2025-09-27. Review status: criteria provided, single submitter. Criteria: Invitae Variant Classification Sherloc (09022015). Collection method: clinical testing. Allele origin: germline.
Comment: This sequence change replaces threonine, which is neutral and polar, with isoleucine, which is neutral and non-polar, at codon 811 of the FANCM protein (p.Thr811Ile). This variant is not present in population databases (gnomAD no frequency). This variant has not been reported in the literature in individuals affected with FANCM-related conditions. An algorithm developed to predict the effect of missense changes on protein structure and function (PolyPhen-2) suggests that this variant is likely to be tolerated. In summary, the available evidence is currently insufficient to determine the role of this variant in disease. Therefore, it has been classified as a Variant of Uncertain Significance.